The following is an entry in ClinVar:

ClinVar aggregate classification (germline): Uncertain significance. Review status: criteria provided, multiple submitters, no conflicts (2 of 4 stars). 2 submissions from 2 submitters: Uncertain significance (2). Last evaluated 2025-07-29.

Conditions:
Familial cold autoinflammatory syndrome 2 (FCAS2). Identifiers: Orphanet 247868, MedGen C2673198, MONDO:0012724, OMIM 611762.

gnomAD v4.1: 10 of 1,614,136 alleles (0.00062%); highest among the groups gnomAD compares: South Asian, 0.0011%; no homozygotes.

Submissions (2):

Labcorp Genetics (formerly Invitae), Labcorp
Classification: Uncertain significance for Familial cold autoinflammatory syndrome 2. Last evaluated: 2025-07-29. Review status: criteria provided, single submitter. Criteria: Invitae Variant Classification Sherloc (09022015). Collection method: clinical testing. Allele origin: germline.
Comment: This sequence change replaces arginine, which is basic and polar, with cysteine, which is neutral and slightly polar, at codon 561 of the NLRP12 protein (p.Arg561Cys). This variant is present in population databases (no rsID available, gnomAD 0.003%). This variant has not been reported in the literature in individuals affected with NLRP12-related conditions. ClinVar contains an entry for this variant (Variation ID: 808641). Invitae Evidence Modeling of protein sequence and biophysical properties (such as structural, functional, and spatial information, amino acid conservation, physicochemical variation, residue mobility, and thermodynamic stability) indicates that this missense variant is not expected to disrupt NLRP12 protein function with a negative predictive value of 80%. In summary, the available evidence is currently insufficient to determine the role of this variant in disease. Therefore, it has been classified as a Variant of Uncertain Significance.

CeGaT Center for Human Genetics Tuebingen
Classification: Uncertain significance. Last evaluated: 2021-01-01. Review status: criteria provided, single submitter. Criteria: CeGaT Center For Human Genetics Tuebingen Variant Classification Criteria Version 2. Collection method: clinical testing. Allele origin: germline. Affected: yes. Observed: 2 variant alleles.

NM_144687.4(NLRP12):c.1681C>T (p.Arg561Cys)

Gene: NLRP12 (NLR family pyrin domain containing 12; minus strand). Cytogenetic location: 19q13.42.
Variant type: single nucleotide variant.
Coding change: c.1681C>T on transcript NM_144687.4 (MANE Select); coding-DNA position 1681, C replaced by T.
Protein change: p.Arg561Cys; replaces arginine 561 with cysteine.
Molecular consequence: missense variant.
Genome position (GRCh38, 1-based): chr19:53,809,978, G>A on the plus strand (C>T on the coding strand, the complement: NLRP12 is on the minus strand). VCF-style: chr19-53809978-G-A. GRCh37 (hg19) VCF-style: chr19-54313232-G-A.
Other names: c.1681C>T, p.Arg561Cys (NM_001277126.2, NM_001277129.1); short protein forms R561C.
Identifiers: ClinVar variation 808641 (VCV000808641.46), dbSNP rs747435135, ClinGen allele CA407412910.